The following is an entry in ClinVar:

ClinVar aggregate classification (germline): Conflicting classifications of pathogenicity. Review status: criteria provided, conflicting classifications (1 of 4 stars). 3 submissions from 3 submitters: Uncertain significance (2); Likely benign (1). Last evaluated 2025-01-16.

Conditions:
Renal cell carcinoma. Identifiers: Orphanet 217071, MedGen C0007134, MeSH D002292, MONDO:0005086, HP:0005584.
Hereditary cancer-predisposing syndrome. Also called: Tumor predisposition; Hereditary neoplastic syndrome; Hereditary Cancer Syndrome; Neoplastic Syndromes, Hereditary. Identifiers: Orphanet 140162, MedGen C0027672, MeSH D009386, MONDO:0015356.

Allele frequency attached by ClinVar (database versions not stated): gnomAD exomes below 0.00001; TOPMed below 0.00001; ExAC 0.00001; gnomAD 0.00001; 1000 Genomes Project 0.00020; 1000 Genomes Project 30x 0.00031.
gnomAD v4.1: 2 of 1,613,828 alleles (0.00012%); highest among the groups gnomAD compares: Non-Finnish European, 0.00017%; no homozygotes.

Submissions (3):

Ambry Genetics
Classification: Likely benign for Hereditary cancer-predisposing syndrome. Last evaluated: 2025-01-16. Review status: criteria provided, single submitter. Criteria: Ambry Variant Classification Scheme 2023. Collection method: clinical testing. Allele origin: germline.

GeneDx
Classification: Uncertain significance. Last evaluated: 2024-05-21. Review status: criteria provided, single submitter. Criteria: GeneDx Variant Classification Process June 2021. Collection method: clinical testing. Allele origin: germline. Affected: yes.
Comment: Not observed at significant frequency in large population cohorts (gnomAD); In silico analysis indicates that this missense variant does not alter protein structure/function; Has not been previously published as pathogenic or benign to our knowledge

Labcorp Genetics (formerly Invitae), Labcorp
Classification: Uncertain significance for Renal cell carcinoma. Last evaluated: 2024-05-16. Review status: criteria provided, single submitter. Criteria: Invitae Variant Classification Sherloc (09022015). Collection method: clinical testing. Allele origin: germline.
Comment: This sequence change replaces lysine, which is basic and polar, with arginine, which is basic and polar, at codon 27 of the MET protein (p.Lys27Arg). This variant is present in population databases (rs555920594, gnomAD 0.0009%). This variant has not been reported in the literature in individuals affected with MET-related conditions. ClinVar contains an entry for this variant (Variation ID: 577544). Advanced modeling of protein sequence and biophysical properties (such as structural, functional, and spatial information, amino acid conservation, physicochemical variation, residue mobility, and thermodynamic stability) performed at Invitae indicates that this missense variant is not expected to disrupt MET protein function with a negative predictive value of 80%. In summary, the available evidence is currently insufficient to determine the role of this variant in disease. Therefore, it has been classified as a Variant of Uncertain Significance.

NM_000245.4(MET):c.80A>G (p.Lys27Arg)

Gene: MET (MET proto-oncogene, receptor tyrosine kinase; plus strand). Cytogenetic location: 7q31.2.
Variant type: single nucleotide variant.
Coding change: c.80A>G on transcript NM_000245.4 (MANE Select); coding-DNA position 80, A replaced by G.
Protein change: p.Lys27Arg; replaces lysine 27 with arginine.
Molecular consequence: missense variant. On other transcripts: intron variant (1).
Genome position (GRCh38, 1-based): chr7:116,699,164, A>G. VCF-style: chr7-116699164-A-G. GRCh37 (hg19) VCF-style: chr7-116339218-A-G.
Other names: c.80A>G, p.Lys27Arg (NM_001127500.3, NM_001324401.3); c.-91+26587A>G (NM_001324402.2); short protein forms K27R.
Identifiers: ClinVar variation 577544 (VCV000577544.14), dbSNP rs555920594, ClinGen allele CA4447940.